The following is an entry in ClinVar:

NM_015021.3(ZNF292):c.4927G>C (p.Ala1643Pro)

Gene: ZNF292 (zinc finger protein 292; plus strand). Cytogenetic location: 6q14.3.
Variant type: single nucleotide variant.
Coding change: c.4927G>C on transcript NM_015021.3 (MANE Select); coding-DNA position 4927, G replaced by C.
Protein change: p.Ala1643Pro; replaces alanine 1643 with proline.
Molecular consequence: missense variant.
Genome position (GRCh38, 1-based): chr6:87,258,556, G>C. VCF-style: chr6-87258556-G-C. GRCh37 (hg19) VCF-style: chr6-87968274-G-C.
Other names: c.4507G>C, p.Ala1503Pro (NM_001351444.2); short protein forms A1503P, A1643P.
Identifiers: ClinVar variation 2616761 (VCV002616761.3), dbSNP rs377265584, ClinGen allele CA364928791.

ClinVar aggregate classification (germline): Uncertain significance. Review status: criteria provided, multiple submitters, no conflicts (2 of 4 stars). 2 submissions from 2 submitters: Uncertain significance (2). Last evaluated 2023-08-08.

Conditions:
Inborn genetic diseases. Identifiers: MedGen C0950123, MeSH D030342.
ZNF292-related disorder. Also called: ZNF292-related condition.

gnomAD v4.1: 1 of 1,613,582 alleles (0.000062%); highest among the groups gnomAD compares: Admixed American, 0.0017%; no homozygotes.

Submissions (2):

Ambry Genetics
Classification: Uncertain significance for Inborn genetic diseases. Last evaluated: 2023-08-08. Review status: criteria provided, single submitter. Criteria: Ambry Variant Classification Scheme 2023. Collection method: clinical testing. Allele origin: germline.

PreventionGenetics, part of Exact Sciences
Classification: Uncertain significance for ZNF292-related condition. Last evaluated: 2022-10-20. Review status: criteria provided, single submitter. Criteria: ACMG Guidelines, 2015. Collection method: clinical testing. Allele origin: germline.
Comment: The ZNF292 c.4927G>C variant is predicted to result in the amino acid substitution p.Ala1643Pro. To our knowledge, this variant has not been reported in the literature or in a large population database, indicating this variant is rare. At this time, the clinical significance of this variant is uncertain due to the absence of conclusive functional and genetic evidence.